The following is an entry in ClinVar:

ClinVar aggregate classification (germline): Benign. Review status: criteria provided, single submitter (1 of 4 stars). 2 submissions from 1 submitter: Benign (2). Last evaluated 2018-01-13.

Conditions:
Neuroblastoma, susceptibility to, 2. Identifiers: Orphanet 635, MedGen C2751682, MONDO:0700041, OMIM 613013.
Congenital central hypoventilation. Also called: Congenital Central Hypoventilation Syndrome. Identifiers: Orphanet 661, Orphanet 99803, MedGen C1275808, MONDO:0800031. Disease mechanism: gain of function.

Allele frequency attached by ClinVar (database versions not stated): TOPMed 0.00151; 1000 Genomes Project 0.00180; 1000 Genomes Project 30x 0.00219.
gnomAD v4.1: 1,644 of 613,302 alleles (0.27%); highest among the groups gnomAD compares: South Asian, 0.82%; 2 homozygotes.

Submissions (2):

Illumina Laboratory Services, Illumina
Classification: Benign for Neuroblastoma, susceptibility to, 2. Last evaluated: 2018-01-13. Review status: criteria provided, single submitter. Criteria: ICSL Variant Classification Criteria 13 December 2019. Collection method: clinical testing. Allele origin: germline.
Comment: This variant was observed in the ICSL laboratory as part of a predisposition screen in an ostensibly healthy population. It had not been previously curated by ICSL or reported in the Human Gene Mutation Database (HGMD: prior to June 1st, 2018), and was therefore a candidate for classification through an automated scoring system. Utilizing variant allele frequency, disease prevalence and penetrance estimates, and inheritance mode, an automated score was calculated to assess if this variant is too frequent to cause the disease. Based on the score and internal cut-off values, a variant classified as benign is not then subjected to further curation. The score for this variant resulted in a classification of benign for this disease.

Illumina Laboratory Services, Illumina
Classification: Benign for Central hypoventilation syndrome, congenital, 1, with or without Hirschsprung disease. Last evaluated: 2018-01-13. Review status: criteria provided, single submitter. Criteria: ICSL Variant Classification Criteria 13 December 2019. Collection method: clinical testing. Allele origin: germline.
Comment: the same text as in the submission from Illumina Laboratory Services, Illumina above.

NM_003924.4(PHOX2B):c.*194C>T

Gene: PHOX2B (paired like homeobox 2B; minus strand). Cytogenetic location: 4p13.
Variant type: single nucleotide variant.
Coding change: c.*194C>T on transcript NM_003924.4 (MANE Select); 194 bases downstream of the stop codon, C replaced by T.
Molecular consequence: 3 prime UTR variant.
Genome position (GRCh38, 1-based): chr4:41,745,613, G>A on the plus strand (C>T on the coding strand, the complement: PHOX2B is on the minus strand). VCF-style: chr4-41745613-G-A. GRCh37 (hg19) VCF-style: chr4-41747630-G-A.
Identifiers: ClinVar variation 348800 (VCV000348800.5), dbSNP rs186778106, ClinGen allele CA10621096.